The following is an entry in ClinVar:

ClinVar aggregate classification (germline): Uncertain significance. Review status: criteria provided, multiple submitters, no conflicts (2 of 4 stars). 2 submissions from 2 submitters: Uncertain significance (2). Last evaluated 2025-02-24.

Conditions:
Inborn genetic diseases. Identifiers: MedGen C0950123, MeSH D030342.
Hereditary spastic paraplegia 48. Also called: SPASTIC PARAPLEGIA 48, AUTOSOMAL RECESSIVE; Spastic paraplegia 48. Identifiers: Orphanet 306511, MedGen C3150901, MONDO:0013342, OMIM 613647.

gnomAD v4.1: 4 of 1,551,570 alleles (0.00026%); highest among the groups gnomAD compares: East Asian, 0.0049%; no homozygotes.

Submissions (2):

Ambry Genetics
Classification: Uncertain significance for Inborn genetic diseases. Last evaluated: 2025-02-24. Review status: criteria provided, single submitter. Criteria: Ambry Variant Classification Scheme 2023. Collection method: clinical testing. Allele origin: germline.

Labcorp Genetics (formerly Invitae), Labcorp
Classification: Uncertain significance for Hereditary spastic paraplegia 48. Last evaluated: 2022-08-15. Review status: criteria provided, single submitter. Criteria: Invitae Variant Classification Sherloc (09022015). Collection method: clinical testing. Allele origin: germline.
Comment: In summary, the available evidence is currently insufficient to determine the role of this variant in disease. Therefore, it has been classified as a Variant of Uncertain Significance. Algorithms developed to predict the effect of missense changes on protein structure and function are either unavailable or do not agree on the potential impact of this missense change (SIFT: "Deleterious"; PolyPhen-2: "Probably Damaging"; Align-GVGD: "Class C0"). This variant has not been reported in the literature in individuals affected with AP5Z1-related conditions. The frequency data for this variant in the population databases is considered unreliable, as metrics indicate poor data quality at this position in the gnomAD database. This sequence change replaces threonine, which is neutral and polar, with isoleucine, which is neutral and non-polar, at codon 462 of the AP5Z1 protein (p.Thr462Ile).

NM_014855.3(AP5Z1):c.1385C>T (p.Thr462Ile)

Gene: AP5Z1 (adaptor related protein complex 5 subunit zeta 1; plus strand). Cytogenetic location: 7p22.1.
Variant type: single nucleotide variant.
Coding change: c.1385C>T on transcript NM_014855.3 (MANE Select); coding-DNA position 1385, C replaced by T.
Protein change: p.Thr462Ile; replaces threonine 462 with isoleucine.
Molecular consequence: missense variant. On other transcripts: non-coding transcript variant (1).
Genome position (GRCh38, 1-based): chr7:4,787,707, C>T. VCF-style: chr7-4787707-C-T. GRCh37 (hg19) VCF-style: chr7-4827338-C-T.
Other names: c.1385C>T (NM_014855.2); c.917C>T, p.Thr306Ile (NM_001364858.1); short protein forms T462I, T306I.
Identifiers: ClinVar variation 2167513 (VCV002167513.5), dbSNP rs535384375, ClinGen allele CA4137783.
Genomic context (GRCh38, chr7:4,787,707, plus strand): 5'-ACAGCCCACCCCTCACCTCCGAGTTTGTGGCGCTCCTCCCGGCCCTGGTGGACGCTGGCA[C>T]AGCCCTGGAGATGCTGCACGCGCTGCTGGACCTGCCCTGCTTGACGGCGGTGCTGGACCT-3'
Protein context (NP_055670.1, residues 452-472): ALLPALVDAG[Thr462Ile]ALEMLHALLD